The following is an entry in ClinVar:

NM_001458.5(FLNC):c.3700C>T (p.Pro1234Ser)

Gene: FLNC (filamin C; plus strand). Cytogenetic location: 7q32.1.
Variant type: single nucleotide variant.
Coding change: c.3700C>T on transcript NM_001458.5 (MANE Select); coding-DNA position 3700, C replaced by T.
Protein change: p.Pro1234Ser; replaces proline 1234 with serine.
Molecular consequence: missense variant.
Genome position (GRCh38, 1-based): chr7:128,845,165, C>T. VCF-style: chr7-128845165-C-T. GRCh37 (hg19) VCF-style: chr7-128485219-C-T.
Other names: c.3700C>T, p.Pro1234Ser (NM_001127487.2); short protein forms P1234S.
Identifiers: ClinVar variation 2933562 (VCV002933562.3), dbSNP rs2536638457, ClinGen allele CA369197750.

ClinVar aggregate classification (germline): Uncertain significance (1 of 4 stars; one submission).

Conditions:
Hypertrophic cardiomyopathy 26. Also called: Cardiomyopathy, familial hypertrophic, 26. Identifiers: Orphanet 75249, MedGen C4310749, MONDO:0014883, OMIM 617047.
Myofibrillar myopathy 5. Also called: Filaminopathy (type); FILAMINOPATHY, AUTOSOMAL DOMINANT. Identifiers: Orphanet 171445, MedGen C1836050, MONDO:0012289, OMIM 609524.
Distal myopathy with posterior leg and anterior hand involvement. Also called: WILLIAMS DISTAL MYOPATHY. Identifiers: Orphanet 63273, MedGen C3279722, MONDO:0013550, OMIM 614065.

Allele frequency attached by ClinVar (database versions not stated): gnomAD exomes below 0.00001.
gnomAD v4.1: 3 of 1,613,928 alleles (0.00019%); highest among the groups gnomAD compares: Non-Finnish European, 0.00025%; no homozygotes.

Submission:

Labcorp Genetics (formerly Invitae), Labcorp
Classification: Uncertain significance for Distal myopathy with posterior leg and anterior hand involvement; Myofibrillar myopathy 5; Hypertrophic cardiomyopathy 26. Last evaluated: 2023-09-20. Review status: criteria provided, single submitter. Criteria: Invitae Variant Classification Sherloc (09022015). Collection method: clinical testing. Allele origin: germline.
Comment: This sequence change replaces proline, which is neutral and non-polar, with serine, which is neutral and polar, at codon 1234 of the FLNC protein (p.Pro1234Ser). This variant is not present in population databases (gnomAD no frequency). This variant has not been reported in the literature in individuals affected with FLNC-related conditions. Advanced modeling of protein sequence and biophysical properties (such as structural, functional, and spatial information, amino acid conservation, physicochemical variation, residue mobility, and thermodynamic stability) has been performed at Invitae for this missense variant, however the output from this modeling did not meet the statistical confidence thresholds required to predict the impact of this variant on FLNC protein function. In summary, the available evidence is currently insufficient to determine the role of this variant in disease. Therefore, it has been classified as a Variant of Uncertain Significance.